The following is an entry in ClinVar:

ClinVar aggregate classification (germline): Conflicting classifications of pathogenicity. Review status: criteria provided, conflicting classifications (1 of 4 stars). 3 submissions from 3 submitters: Uncertain significance (1); Likely benign (2). Last evaluated 2025-08-06.

Conditions:
Nephrogenic syndrome of inappropriate antidiuresis (NSIAD). Identifiers: Orphanet 93606, MedGen C1845202, MONDO:0010356, OMIM 300539.
Diabetes insipidus, nephrogenic, X-linked. Also called: Nephrogenic Diabetes Insipidus, Type I. Identifiers: Orphanet 223, MedGen C1563705, MONDO:0010581, OMIM 304800.

Allele frequency attached by ClinVar (database versions not stated): ESP Exome Variant Server 0.00009; ExAC 0.00016; gnomAD 0.00017 and 0.00019; gnomAD exomes 0.00019 and 0.00021; TOPMed 0.00025.

Submissions (3):

Mayo Clinic Laboratories, Mayo Clinic
Classification: Likely benign. Last evaluated: 2025-08-06. Review status: criteria provided, single submitter. Criteria: ACMG Guidelines, 2015. Collection method: clinical testing. Allele origin: germline. Observed: 1 variant allele.
Comment: BS1, BS3_moderate, BP2, BP4_moderate

Labcorp Genetics (formerly Invitae), Labcorp
Classification: Uncertain significance. Last evaluated: 2024-10-24. Review status: criteria provided, single submitter. Criteria: Invitae Variant Classification Sherloc (09022015). Collection method: clinical testing. Allele origin: germline.
Comment: This sequence change replaces valine, which is neutral and non-polar, with alanine, which is neutral and non-polar, at codon 266 of the AVPR2 protein (p.Val266Ala). The frequency data for this variant in the population databases is considered unreliable, as metrics indicate poor data quality at this position in the gnomAD database. This missense change has been observed in individual(s) with clinical features of AVPR2-related conditions (PMID: 23762448). ClinVar contains an entry for this variant (Variation ID: 441086). Invitae Evidence Modeling of protein sequence and biophysical properties (such as structural, functional, and spatial information, amino acid conservation, physicochemical variation, residue mobility, and thermodynamic stability) indicates that this missense variant is not expected to disrupt AVPR2 protein function with a negative predictive value of 80%. Experimental studies have shown that this missense change does not substantially affect AVPR2 function (PMID: 12414899, 23762448, 27355191). In summary, the available evidence is currently insufficient to determine the role of this variant in disease. Therefore, it has been classified as a Variant of Uncertain Significance.

Women's Health and Genetics/Laboratory Corporation of America, LabCorp
Classification: Likely benign. Last evaluated: 2024-01-11. Review status: criteria provided, single submitter. Criteria: LabCorp Variant Classification Summary - May 2015. Collection method: clinical testing. Allele origin: germline.
Comment: Variant summary: AVPR2 c.797T>C (p.Val266Ala) results in a non-conservative amino acid change located in the GPCR, rhodopsin-like, 7TM domain (IPR017452) of the encoded protein sequence. Three of five in-silico tools predict a benign effect of the variant on protein function. The variant allele was found at a frequency of 0.0002 in 1210914 control chromosomes, including 81 hemizygotes. This frequency is not significantly higher than estimated for a pathogenic variant in AVPR2 causing Nephrogenic Diabetes Insipidus (0.0002 vs 0.0022), allowing no conclusion about variant significance. c.797T>C has been reported in the literature in a family affected with Nephrogenic Diabetes Insipidus, however the affected individuals also carried a second pathogenic variant in cis (example: Schulz_2002). At least one publication reports experimental evidence evaluating an impact on protein function. These results showed no damaging effect of this variant (Schulz_2002). The following publications have been ascertained in the context of this evaluation (PMID: 27355191, 12414899). ClinVar contains an entry for this variant (Variation ID: 441086). Based on the evidence outlined above, the variant was classified as likely benign.

Literature cited by the submitters: PubMed 12414899 (cited by 3 submitters); PubMed 23762448 (cited by Mayo Clinic Laboratories, Mayo Clinic and Labcorp Genetics (formerly Invitae), Labcorp); PubMed 27355191 (cited by 3 submitters).

NM_000054.7(AVPR2):c.797T>C (p.Val266Ala)

Gene: AVPR2 (arginine vasopressin receptor 2; plus strand). Cytogenetic location: Xq28.
Variant type: single nucleotide variant.
Coding change: c.797T>C on transcript NM_000054.7 (MANE Select); coding-DNA position 797, T replaced by C.
Protein change: p.Val266Ala; replaces valine 266 with alanine.
Molecular consequence: missense variant. On other transcripts: non-coding transcript variant (1).
Genome position (GRCh38, 1-based): chrX:153,906,303, T>C. VCF-style: chrX-153906303-T-C. GRCh37 (hg19) VCF-style: chrX-153171757-T-C.
Other names: p.Val266Ala; c.797T>C, p.Val266Ala (NM_001146151.3); c.797T>C (NM_000054.6); short protein forms V266A.
Identifiers: ClinVar variation 441086 (VCV000441086.6), dbSNP rs111643041, ClinGen allele CA10555073.